The following is an entry in ClinVar:

ClinVar aggregate classification (germline): Uncertain significance (1 of 4 stars; one submission).

Allele frequency attached by ClinVar (database versions not stated): gnomAD exomes below 0.00001.
gnomAD v4.1: 2 of 1,614,112 alleles (0.00012%); highest among the groups gnomAD compares: Non-Finnish European, 0.00017%; no homozygotes.

Submission:

Labcorp Genetics (formerly Invitae), Labcorp
Classification: Uncertain significance. Last evaluated: 2023-03-30. Review status: criteria provided, single submitter. Criteria: Invitae Variant Classification Sherloc (09022015). Collection method: clinical testing. Allele origin: germline.
Comment: This variant is not present in population databases (gnomAD no frequency). This variant has not been reported in the literature in individuals affected with ATR-related conditions. An algorithm developed to predict the effect of missense changes on protein structure and function (PolyPhen-2) suggests that this variant is likely to be tolerated. This sequence change replaces serine, which is neutral and polar, with threonine, which is neutral and polar, at codon 435 of the ATR protein (p.Ser435Thr). In summary, the available evidence is currently insufficient to determine the role of this variant in disease. Therefore, it has been classified as a Variant of Uncertain Significance.

NM_001184.4(ATR):c.1304G>C (p.Ser435Thr)

Gene: ATR (ATR checkpoint kinase; minus strand). Cytogenetic location: 3q23.
Variant type: single nucleotide variant.
Coding change: c.1304G>C on transcript NM_001184.4 (MANE Select); coding-DNA position 1304, G replaced by C.
Protein change: p.Ser435Thr; replaces serine 435 with threonine.
Molecular consequence: missense variant.
Genome position (GRCh38, 1-based): chr3:142,561,288, C>G on the plus strand (G>C on the coding strand, the complement: ATR is on the minus strand). VCF-style: chr3-142561288-C-G. GRCh37 (hg19) VCF-style: chr3-142280130-C-G.
Other names: c.1304G>C, p.Ser435Thr (NM_001354579.2); short protein forms S435T.
Identifiers: ClinVar variation 2855192 (VCV002855192.3), dbSNP rs2108485125, ClinGen allele CA354823205.